The following is an entry in ClinVar:

NM_199420.4(POLQ):c.3223C>T (p.Pro1075Ser)

Gene: POLQ (DNA polymerase theta; minus strand). Cytogenetic location: 3q13.33.
Variant type: single nucleotide variant.
Coding change: c.3223C>T on transcript NM_199420.4 (MANE Select); coding-DNA position 3223, C replaced by T.
Protein change: p.Pro1075Ser; replaces proline 1075 with serine.
Molecular consequence: missense variant.
Genome position (GRCh38, 1-based): chr3:121,489,708, G>A on the plus strand (C>T on the coding strand, the complement: POLQ is on the minus strand). VCF-style: chr3-121489708-G-A. GRCh37 (hg19) VCF-style: chr3-121208555-G-A.
Other names: short protein forms P1075S.
Identifiers: ClinVar variation 1729103 (VCV001729103.2), dbSNP rs758984814, ClinGen allele CA354101154.
Genomic context (GRCh38, chr3:121,489,708, plus strand): 5'-CTGAATTTCTAAATTCCGTTTTCTTCTCATCTAAGGTAAACGGGTCTTCACAAAGACTAG[G>A]ATTAGACAGAGTCTGTCCTTGTAAATGGATTCTACACGCTCCAGAGTCTTTCAGGGGGCT-3'
Protein context (NP_955452.3, residues 1065-1085): IHLQGQTLSN[Pro1075Ser]SLCEDPFTLD

ClinVar aggregate classification (germline): Uncertain significance (1 of 4 stars; one submission).

gnomAD v4.1: 5 of 1,613,290 alleles (0.00031%); highest among the groups gnomAD compares: Non-Finnish European, 0.00042%; no homozygotes.

Submission:

Ambry Genetics
Classification: Uncertain significance. Last evaluated: 2024-02-24. Review status: criteria provided, single submitter. Criteria: Ambry Variant Classification Scheme 2023. Collection method: clinical testing. Allele origin: germline.
Comment: The p.P1075S variant (also known as c.3223C>T), located in coding exon 16 of the POLQ gene, results from a C to T substitution at nucleotide position 3223. The proline at codon 1075 is replaced by serine, an amino acid with similar properties. This amino acid position is conserved. In addition, this alteration is predicted to be tolerated by in silico analysis. Since supporting evidence is limited at this time, the clinical significance of this alteration remains unclear.